The following is an entry in ClinVar:

NM_006092.4(NOD1):c.2080G>A (p.Ala694Thr)

Gene: NOD1 (nucleotide binding oligomerization domain containing 1; minus strand). Cytogenetic location: 7p14.3.
Variant type: single nucleotide variant.
Coding change: c.2080G>A on transcript NM_006092.4 (MANE Select); coding-DNA position 2080, G replaced by A.
Protein change: p.Ala694Thr; replaces alanine 694 with threonine.
Molecular consequence: missense variant. On other transcripts: non-coding transcript variant (1).
Genome position (GRCh38, 1-based): chr7:30,451,337, C>T on the plus strand (G>A on the coding strand, the complement: NOD1 is on the minus strand). VCF-style: chr7-30451337-C-T. GRCh37 (hg19) VCF-style: chr7-30490953-C-T.
Other names: c.2080G>A, p.Ala694Thr (NM_001354849.2); short protein forms A694T.
Identifiers: ClinVar variation 103093 (VCV000103093.2), dbSNP rs199475903, ClinGen allele CA230109.

ClinVar aggregate classification (germline): not provided (0 of 4 stars; one submission).

Allele frequency attached by ClinVar (database versions not stated): ExAC 0.00005; TOPMed 0.00005.
gnomAD v4.1: 51 of 1,614,178 alleles (0.0032%); highest among the groups gnomAD compares: African/African-American, 0.0053%; no homozygotes.

Submission:

Human Evolutionary Genetics, Institut Pasteur
No classification provided. Review status: no classification provided. Collection method: not provided. Allele origin: germline.
ClinVar note: Converted during submission from untested to not provided.